The following is an entry in ClinVar:

ClinVar aggregate classification (germline): Uncertain significance (1 of 4 stars; one submission).

Submission:

Labcorp Genetics (formerly Invitae), Labcorp
Classification: Uncertain significance. Last evaluated: 2023-11-12. Review status: criteria provided, single submitter. Criteria: Invitae Variant Classification Sherloc (09022015). Collection method: clinical testing. Allele origin: germline.
Comment: This sequence change replaces proline, which is neutral and non-polar, with alanine, which is neutral and non-polar, at codon 606 of the FN1 protein (p.Pro606Ala). This variant is not present in population databases (gnomAD no frequency). This variant has not been reported in the literature in individuals affected with FN1-related conditions. Advanced modeling of protein sequence and biophysical properties (such as structural, functional, and spatial information, amino acid conservation, physicochemical variation, residue mobility, and thermodynamic stability) performed at Invitae indicates that this missense variant is not expected to disrupt FN1 protein function with a negative predictive value of 80%. In summary, the available evidence is currently insufficient to determine the role of this variant in disease. Therefore, it has been classified as a Variant of Uncertain Significance.

NM_212482.4(FN1):c.1816C>G (p.Pro606Ala)

Gene: FN1 (fibronectin 1; minus strand). Cytogenetic location: 2q35.
Variant type: single nucleotide variant.
Coding change: c.1816C>G on transcript NM_212482.4 (MANE Select); coding-DNA position 1816, C replaced by G.
Protein change: p.Pro606Ala; replaces proline 606 with alanine.
Molecular consequence: missense variant.
Genome position (GRCh38, 1-based): chr2:215,419,245, G>C on the plus strand (C>G on the coding strand, the complement: FN1 is on the minus strand). VCF-style: chr2-215419245-G-C. GRCh37 (hg19) VCF-style: chr2-216283968-G-C.
Other names: c.1816C>G, p.Pro606Ala (NM_001306129.2, NM_001306130.2, NM_001306131.2 and 14 more transcripts); short protein forms P606A.
Identifiers: ClinVar variation 2695371 (VCV002695371.3), dbSNP rs2470275999, ClinGen allele CA350466416.